The following is an entry in ClinVar:

ClinVar aggregate classification (germline): Uncertain significance. Review status: criteria provided, multiple submitters, no conflicts (2 of 4 stars). 2 submissions from 2 submitters: Uncertain significance (2). Last evaluated 2023-10-14.

Allele frequency attached by ClinVar (database versions not stated): 1000 Genomes Project 0.00020; ExAC 0.00021; ESP Exome Variant Server 0.00023; 1000 Genomes Project 30x 0.00031; gnomAD 0.00049; TOPMed 0.00050; gnomAD exomes 0.00102.
gnomAD v4.1: 1,555 of 1,605,912 alleles (0.097%); highest among the groups gnomAD compares: Non-Finnish European, 0.12%; 3 homozygotes.

Submissions (2):

Labcorp Genetics (formerly Invitae), Labcorp
Classification: Uncertain significance. Last evaluated: 2023-10-14. Review status: criteria provided, single submitter. Criteria: Invitae Variant Classification Sherloc (09022015). Collection method: clinical testing. Allele origin: germline.
Comment: This sequence change replaces proline, which is neutral and non-polar, with serine, which is neutral and polar, at codon 752 of the TNK2 protein (p.Pro752Ser). This variant is present in population databases (rs143166115, gnomAD 0.06%), and has an allele count higher than expected for a pathogenic variant. This variant has not been reported in the literature in individuals affected with TNK2-related conditions. ClinVar contains an entry for this variant (Variation ID: 2391077). An algorithm developed to predict the effect of missense changes on protein structure and function (PolyPhen-2) suggests that this variant is likely to be tolerated. In summary, the available evidence is currently insufficient to determine the role of this variant in disease. Therefore, it has been classified as a Variant of Uncertain Significance.

Ambry Genetics
Classification: Uncertain significance. Last evaluated: 2021-07-09. Review status: criteria provided, single submitter. Criteria: Ambry Variant Classification Scheme 2023. Collection method: clinical testing. Allele origin: germline.

NM_001382273.1(TNK2):c.2065C>T (p.Pro689Ser)

Gene: TNK2 (tyrosine kinase non receptor 2; minus strand). Cytogenetic location: 3q29.
Variant type: single nucleotide variant.
Coding change: c.2065C>T on transcript NM_001382273.1 (MANE Select); coding-DNA position 2065, C replaced by T.
Protein change: p.Pro689Ser; replaces proline 689 with serine.
Molecular consequence: missense variant. On other transcripts: non-coding transcript variant (15).
Genome position (GRCh38, 1-based): chr3:195,868,233, G>A on the plus strand (C>T on the coding strand, the complement: TNK2 is on the minus strand). VCF-style: chr3-195868233-G-A. GRCh37 (hg19) VCF-style: chr3-195595104-G-A.
Other names: c.2137C>T, p.Pro713Ser (NM_001010938.2, NM_001382272.1); c.2116C>T, p.Pro706Ser (NM_001308046.2, NM_001382271.1); c.2065C>T, p.Pro689Ser (NM_001382274.1, NM_001387716.1, NM_001387717.1 and 1 more transcripts); c.2161C>T, p.Pro721Ser (NM_001382275.1, NM_001387707.1); c.2020C>T, p.Pro674Ser (NM_001386164.1, NM_001387709.1, NM_001387710.1 and 8 more transcripts); c.2092C>T, p.Pro698Ser (NM_001387708.1, NM_001387715.1); short protein forms P706S, P689S, P713S, P721S, P674S, P698S.
Identifiers: ClinVar variation 2391077 (VCV002391077.5), dbSNP rs143166115, ClinGen allele CA2776090.